The following is an entry in ClinVar:

ClinVar aggregate classification (germline): Uncertain significance (1 of 4 stars; one submission).

Conditions:
Cohen syndrome (COH1). Also called: PEPPER SYNDROME; Cutis verticis gyrata, retinitis pigmentosa, and sensorineural deafness. Identifiers: Orphanet 193, MedGen C0265223, MONDO:0008999, OMIM 216550.

Submission:

Labcorp Genetics (formerly Invitae), Labcorp
Classification: Uncertain significance for Cohen syndrome. Last evaluated: 2022-01-15. Review status: criteria provided, single submitter. Criteria: Invitae Variant Classification Sherloc (09022015). Collection method: clinical testing. Allele origin: germline.
Comment: This sequence change replaces threonine with serine at codon 1184 of the VPS13B protein (p.Thr1184Ser). The threonine residue is moderately conserved and there is a small physicochemical difference between threonine and serine. This variant is not present in population databases (gnomAD no frequency). This variant has not been reported in the literature in individuals affected with VPS13B-related conditions. Algorithms developed to predict the effect of missense changes on protein structure and function are either unavailable or do not agree on the potential impact of this missense change (SIFT: "Not Available"; PolyPhen-2: "Probably Damaging"; Align-GVGD: "Not Available"). Algorithms developed to predict the effect of sequence changes on RNA splicing suggest that this variant may create or strengthen a splice site. In summary, the available evidence is currently insufficient to determine the role of this variant in disease. Therefore, it has been classified as a Variant of Uncertain Significance.

NM_152564.5(VPS13B):c.3551C>G (p.Thr1184Ser)

Gene: VPS13B (vacuolar protein sorting 13 homolog B; plus strand). Cytogenetic location: 8q22.2.
Variant type: single nucleotide variant.
Coding change: c.3551C>G on transcript NM_152564.5 (MANE Select); coding-DNA position 3551, C replaced by G.
Protein change: p.Thr1184Ser; replaces threonine 1184 with serine.
Molecular consequence: missense variant.
Genome position (GRCh38, 1-based): chr8:99,467,519, C>G. VCF-style: chr8-99467519-C-G. GRCh37 (hg19) VCF-style: chr8-100479747-C-G.
Other names: c.3551C>G, p.Thr1184Ser (NM_017890.5); short protein forms T1184S.
Identifiers: ClinVar variation 1406649 (VCV001406649.5), dbSNP rs2133511087, ClinGen allele CA371866129.